The following is an entry in ClinVar:

NM_000540.3(RYR1):c.12095-13G>A

Gene: RYR1 (ryanodine receptor 1; plus strand). Cytogenetic location: 19q13.2.
Variant type: single nucleotide variant.
Coding change: c.12095-13G>A on transcript NM_000540.3 (MANE Select); 13 bases into the intron before coding-DNA position 12095, G replaced by A.
Molecular consequence: intron variant.
Genome position (GRCh38, 1-based): chr19:38,548,220, G>A. VCF-style: chr19-38548220-G-A. GRCh37 (hg19) VCF-style: chr19-39038860-G-A.
Other names: c.12080-13G>A (NM_001042723.2).
Identifiers: ClinVar variation 2052687 (VCV002052687.6), dbSNP rs745681432, ClinGen allele CA058206.

ClinVar aggregate classification (germline): Likely benign. Review status: criteria provided, multiple submitters, no conflicts (2 of 4 stars). 2 submissions from 2 submitters: Likely benign (2). Last evaluated 2024-07-29.

Conditions:
Malignant hyperthermia, susceptibility to, 1 (MHS1). Also called: Anesthesia related hyperthermia; Malignant hyperpyrexia; Fulminating hyperpyrexia; Pharmacogenic myopathy; RYR1-Related Malignant Hyperthermia Susceptibility; Malignant hyperthermia suceptibility 1. Identifiers: Orphanet 423, MedGen C2930980, MONDO:0007783, OMIM 145600.
RYR1-related disorder. Also called: RYR1-related condition; RYR1-related disorders. Identifiers: MedGen CN239331.

Allele frequency attached by ClinVar (database versions not stated): TOPMed 0.00001; ExAC 0.00002.
gnomAD v4.1: 8 of 1,613,992 alleles (0.0005%); highest among the groups gnomAD compares: Admixed American, 0.013%; no homozygotes.

Submissions (2):

All of Us Research Program, National Institutes of Health
Classification: Likely benign for Malignant hyperthermia, susceptibility to, 1. Last evaluated: 2024-07-29. Review status: criteria provided, single submitter. Criteria: ACMG Guidelines, 2015. Collection method: clinical testing. Allele origin: germline. Inheritance: Autosomal dominant inheritance. Observed: 6 variant alleles, 6 heterozygotes.
Comment: This study involves interpretation of variants in research participants for the purpose of population health screening. Participant phenotype was not available at the time of variant classification. Additional details can be found in publication PMID: 35346344, PMCID: PMC8962531

Labcorp Genetics (formerly Invitae), Labcorp
Classification: Likely benign for RYR1-related disorder. Last evaluated: 2024-04-29. Review status: criteria provided, single submitter. Criteria: Invitae Variant Classification Sherloc (09022015). Collection method: clinical testing. Allele origin: germline.